The following is an entry in ClinVar:

NM_001737.5(C9):c.-3A>G

Gene: C9 (complement C9; minus strand). Cytogenetic location: 5p13.1.
Variant type: single nucleotide variant.
Coding change: c.-3A>G on transcript NM_001737.5 (MANE Select); 3 bases upstream of the start codon, A replaced by G.
Molecular consequence: 5 prime UTR variant.
Genome position (GRCh38, 1-based): chr5:39,364,467, T>C on the plus strand (A>G on the coding strand, the complement: C9 is on the minus strand). VCF-style: chr5-39364467-T-C. GRCh37 (hg19) VCF-style: chr5-39364569-T-C.
Identifiers: ClinVar variation 3351197 (VCV003351197.1).

ClinVar aggregate classification (germline): Likely benign (0 of 4 stars; one submission).

Conditions:
C9-related disorder. Also called: C9-related condition.

gnomAD v4.1: 6 of 1,599,490 alleles (0.00038%); highest among the groups gnomAD compares: Middle Eastern, 0.099%; no homozygotes.

Submission:

PreventionGenetics, part of Exact Sciences
Classification: Likely benign for C9-related condition. Last evaluated: 2019-04-16. Review status: no assertion criteria provided. Collection method: clinical testing. Allele origin: germline.
Comment: This variant is classified as likely benign based on ACMG/AMP sequence variant interpretation guidelines (Richards et al. 2015 PMID: 25741868, with internal and published modifications).